The following is an entry in ClinVar:

NM_001098484.3(SLC4A4):c.1999G>A (p.Ala667Thr)

Gene: SLC4A4 (solute carrier family 4 member 4; plus strand). Cytogenetic location: 4q13.3.
Variant type: single nucleotide variant.
Coding change: c.1999G>A on transcript NM_001098484.3 (MANE Select); coding-DNA position 1999, G replaced by A.
Protein change: p.Ala667Thr; replaces alanine 667 with threonine.
Molecular consequence: missense variant.
Genome position (GRCh38, 1-based): chr4:71,497,525, G>A. VCF-style: chr4-71497525-G-A. GRCh37 (hg19) VCF-style: chr4-72363242-G-A.
Other names: c.1867G>A (NM_003759.3); c.1999G>A, p.Ala667Thr (NM_001134742.2); c.1867G>A, p.Ala623Thr (NM_003759.4); short protein forms A667T, A623T.
Identifiers: ClinVar variation 1905285 (VCV001905285.7), dbSNP rs759762835, ClinGen allele CA2954986.
Genomic context (GRCh38, chr4:71,497,525, plus strand): 5'-GTTCTCTAGAAAAATTTTAATGTTTTTCTTCTTCAGTACCATAATACTACCTTTGACTGG[G>A]CATTTTTGTCGAAGAAGGAGTGTTCAAAATACGGAGGAAACCTCGTCGGGAACAACTGTA-3'
Protein context (NP_001091954.1, residues 657-677): DMYHNTTFDW[Ala667Thr]FLSKKECSKY

ClinVar aggregate classification (germline): Uncertain significance. Review status: criteria provided, multiple submitters, no conflicts (2 of 4 stars). 3 submissions from 3 submitters: Uncertain significance (3). Last evaluated 2024-06-03.

Conditions:
Inborn genetic diseases. Identifiers: MedGen C0950123, MeSH D030342.
Autosomal recessive proximal renal tubular acidosis (PRTAO). Also called: RENAL TUBULAR ACIDOSIS, PROXIMAL, WITH OCULAR ABNORMALITIES AND MENTAL RETARDATION; RTA, PROXIMAL, AUTOSOMAL RECESSIVE; RENAL TUBULAR ACIDOSIS, PROXIMAL, WITH OCULAR ABNORMALITIES AND IMPAIRED INTELLECTUAL DEVELOPMENT; PROXIMAL RENAL TUBULAR ACIDOSIS-OCULAR ANOMALY SYNDROME. Identifiers: Orphanet 93607, MedGen C1970309, MONDO:0011422, OMIM 604278.

Allele frequency attached by ClinVar (database versions not stated): ExAC 0.00001; gnomAD 0.00001; gnomAD exomes 0.00001; TOPMed 0.00001.
gnomAD v4.1: 13 of 1,613,286 alleles (0.00081%); highest among the groups gnomAD compares: East Asian, 0.0089%; no homozygotes.

Submissions (3):

Labcorp Genetics (formerly Invitae), Labcorp
Classification: Uncertain significance. Last evaluated: 2024-06-03. Review status: criteria provided, single submitter. Criteria: Invitae Variant Classification Sherloc (09022015). Collection method: clinical testing. Allele origin: germline.
Comment: This sequence change replaces alanine, which is neutral and non-polar, with threonine, which is neutral and polar, at codon 623 of the SLC4A4 protein (p.Ala623Thr). This variant is present in population databases (rs759762835, gnomAD 0.01%). This variant has not been reported in the literature in individuals affected with SLC4A4-related conditions. ClinVar contains an entry for this variant (Variation ID: 1905285). Algorithms developed to predict the effect of missense changes on protein structure and function output the following: SIFT: "Not Available"; PolyPhen-2: "Benign"; Align-GVGD: "Not Available". The threonine amino acid residue is found in multiple mammalian species, which suggests that this missense change does not adversely affect protein function. In summary, the available evidence is currently insufficient to determine the role of this variant in disease. Therefore, it has been classified as a Variant of Uncertain Significance.

Ambry Genetics
Classification: Uncertain significance for Inborn genetic diseases. Last evaluated: 2024-05-30. Review status: criteria provided, single submitter. Criteria: Ambry Variant Classification Scheme 2023. Collection method: clinical testing. Allele origin: germline.

Fulgent Genetics
Classification: Uncertain significance for Autosomal recessive proximal renal tubular acidosis. Last evaluated: 2024-03-27. Review status: criteria provided, single submitter. Criteria: ACMG Guidelines, 2015. Collection method: clinical testing. Allele origin: germline.